The following is an entry in ClinVar:

NM_052867.4(NALCN):c.1745A>C (p.Tyr582Ser)

Gene: NALCN (sodium leak channel, non-selective; minus strand). Cytogenetic location: 13q33.1.
Variant type: single nucleotide variant.
Coding change: c.1745A>C on transcript NM_052867.4 (MANE Select); coding-DNA position 1745, A replaced by C.
Protein change: p.Tyr582Ser; replaces tyrosine 582 with serine.
Molecular consequence: missense variant.
Genome position (GRCh38, 1-based): chr13:101,191,936, T>G on the plus strand (A>C on the coding strand, the complement: NALCN is on the minus strand). VCF-style: chr13-101191936-T-G. GRCh37 (hg19) VCF-style: chr13-101844287-T-G.
Other names: c.1745A>C, p.Tyr582Ser (NM_001350748.2, NM_001350749.2); c.1658A>C, p.Tyr553Ser (NM_001350750.2, NM_001350751.2); short protein forms Y582S, Y553S.
Identifiers: ClinVar variation 254650 (VCV000254650.1), dbSNP rs1555309004, ClinGen allele CA388703399.

ClinVar aggregate classification (germline): Likely pathogenic (1 of 4 stars; one submission).

Submission:

GeneDx
Classification: Likely pathogenic. Last evaluated: 2016-08-31. Review status: criteria provided, single submitter. Criteria: GeneDx Variant Classification (06012015). Collection method: clinical testing. Allele origin: germline. Affected: yes.
Comment: The Y582S variant was not observed in approximately 6,500 individuals of European and African American ancestry in the NHLBI Exome Sequencing Project, indicating it is not a common benign variant in these populations. The Y582S variant is a semi-conservative amino acid substitution, which occurs at a position that is conserved across species. In silico analysis predicts this variant is probably damaging to the protein structure/function. Therefore, we interpret Y582S as a likely pathogenic variant.

Literature cited by the submitters: PubMed 27681385.